The following is an entry in ClinVar:

ClinVar aggregate classification (germline): Benign. Review status: criteria provided, multiple submitters, no conflicts (2 of 4 stars). 2 submissions from 2 submitters: Benign (2). Last evaluated 2021-08-19.

Conditions:
Dilated cardiomyopathy 1JJ (CMD1JJ). Identifiers: Orphanet 154, MedGen C3808935, MONDO:0014095, OMIM 615235.

Allele frequency attached by ClinVar (database versions not stated): ESP Exome Variant Server 0.13253; TOPMed 0.15977; gnomAD 0.16715 and 0.17569; gnomAD exomes 0.18981 and 0.23564; 1000 Genomes Project 30x 0.22017; ExAC 0.22809; 1000 Genomes Project 0.22923.

Submissions (2):

Genome-Nilou Lab
Classification: Benign for Dilated cardiomyopathy 1JJ. Last evaluated: 2021-08-19. Review status: criteria provided, single submitter. Criteria: ACMG Guidelines, 2015. Collection method: clinical testing. Allele origin: germline. Affected: no.

GeneDx
Classification: Benign. Last evaluated: 2018-06-16. Review status: criteria provided, single submitter. Criteria: GeneDx Variant Classification (06012015). Collection method: clinical testing. Allele origin: germline. Affected: yes.
Comment: This variant is considered likely benign or benign based on one or more of the following criteria: it is a conservative change, it occurs at a poorly conserved position in the protein, it is predicted to be benign by multiple in silico algorithms, and/or has population frequency not consistent with disease.

NM_001105206.3(LAMA4):c.4981+29del

Gene: LAMA4 (laminin subunit alpha 4; minus strand). Cytogenetic location: 6q21.
Variant type: Deletion.
Coding change: c.4981+29del on transcript NM_001105206.3 (MANE Select); 29 bases into the intron after coding-DNA position 4981, one base deleted (T; older notation c.4981+29delT).
Molecular consequence: intron variant.
Genome position (GRCh38, 1-based): chr6:112,117,710, A deleted on the plus strand (T on the coding strand, the reverse complement: LAMA4 is on the minus strand). VCF-style (leftmost placement, unchanged base first): chr6-112117709-GA-G. GRCh37 (hg19) VCF-style: chr6-112438912-GA-G.
Other names: c.4960+29del (NM_002290.5, NM_001105207.3).
Identifiers: ClinVar variation 671122 (VCV000671122.3), dbSNP rs3216857, ClinGen allele CA3964855.
Genomic context (GRCh38, chr6:112,117,709, plus strand): 5'-TAAGTTTTAACTCTGGGCCTGATATTCCCTGTTAGCCATCTCCAGGAAGAAGCATTTCAT[GA>G]CTCATATTTTTAACATGACTAATGTTACCTAGAACCACGTATCCTCCTTCTGTTGAAAAG-3'